The following is an entry in ClinVar:

ClinVar aggregate classification (germline): Uncertain significance (3 of 4 stars; one submission).

Conditions:
Open-angle glaucoma. Identifiers: MedGen C0017612, MONDO:0005338, HP:0012108.

Submission:

ClinGen Glaucoma Variant Curation Expert Panel
Classification: Uncertain significance for Open-angle glaucoma. Last evaluated: 2025-11-12. Review status: reviewed by expert panel. Criteria: ClinGen Glaucoma ACMG Specifications V2.0.0 Approved. Collection method: curation. Allele origin: germline. Inheritance: Autosomal dominant inheritance.
Comment: The c.38C>T variant in MYOC is a missense variant predicted to cause substitution of Proline by Leucine at amino acid 13 (p.Pro13Leu). This variant was not found in any genetic ancestry group of gnomAD (v2.1.1), meeting the ≤ 0.0001 threshold set for PM2_Supporting in a genetic ancestry group of at least 10,000 alleles. The REVEL score = 0.278, which is within the 0.184-0.290 range for BP4, suggesting that the variant does not impact MYOC function. There was no functional evidence predicting a damaging or benign impact of this variant on MYOC function. Only 1 proband with primary open angle glaucoma had been reported (PMID: 18776955), but they also carried another MYOC variant, (c.1010A>G p.Gln337ArgfsTer9 - a variant of uncertain significance) and therefore was not counted. In summary, this variant met the criteria to receive a score of 0 and to be classified as a variant of uncertain significance (uncertain significance classification range -1 to 5, adapted from PMID: 32720330) for primary open angle glaucoma based on the ACMG/AMP criteria met, as specified by the ClinGen Glaucoma VCEP (v2.0.0, 5 Dec 2024): PM2_Supporting, BP4

NM_000261.2(MYOC):c.38C>T (p.Pro13Leu)

Gene: MYOC (myocilin; minus strand). Cytogenetic location: 1q24.3.
Variant type: single nucleotide variant.
Coding change: c.38C>T on transcript NM_000261.2 (MANE Select); coding-DNA position 38, C replaced by T.
Protein change: p.Pro13Leu; replaces proline 13 with leucine.
Molecular consequence: missense variant.
Genome position (GRCh38, 1-based): chr1:171,652,574, G>A on the plus strand (C>T on the coding strand, the complement: MYOC is on the minus strand). VCF-style: chr1-171652574-G-A. GRCh37 (hg19) VCF-style: chr1-171621714-G-A.
Other names: NM_000261.2:c.38C>T; short protein forms P13L.
Identifiers: ClinVar variation 1703219 (VCV001703219.2), dbSNP rs2527874462, ClinGen allele CA343720077.
Genomic context (GRCh38, chr1:171,652,574, plus strand): 5'-CTGGCCCCCACATCCCACACCAGGCAGGCCAGAAGCAGCAGCTGGACAGCTGGCATCTCA[G>A]GCCCAAAGCTGCAGCAACGTGCACAGAAGAACCTCATTGCAGAGGCTTGGTGAGGCTTCC-3'
Protein context (NP_000252.1, residues 3-23): FFCARCCSFG[Pro13Leu]EMPAVQLLLL